The following is an entry in ClinVar:

NM_001204.7(BMPR2):c.1726C>T (p.Pro576Ser)

Gene: BMPR2 (bone morphogenetic protein receptor type 2; plus strand). Cytogenetic location: 2q33.2.
Variant type: single nucleotide variant.
Coding change: c.1726C>T on transcript NM_001204.7 (MANE Select); coding-DNA position 1726, C replaced by T.
Protein change: p.Pro576Ser; replaces proline 576 with serine.
Molecular consequence: missense variant.
Genome position (GRCh38, 1-based): chr2:202,555,391, C>T. VCF-style: chr2-202555391-C-T. GRCh37 (hg19) VCF-style: chr2-203420114-C-T.
Other names: short protein forms P576S.
Identifiers: ClinVar variation 3261238 (VCV003261238.2).

ClinVar aggregate classification (germline): Uncertain significance (1 of 4 stars; one submission).

Conditions:
Inborn genetic diseases. Identifiers: MedGen C0950123, MeSH D030342.

gnomAD v4.1: 3 of 1,614,156 alleles (0.00019%); highest among the groups gnomAD compares: Non-Finnish European, 0.00025%; no homozygotes.

Submission:

Ambry Genetics
Classification: Uncertain significance for Inborn genetic diseases. Last evaluated: 2025-05-21. Review status: criteria provided, single submitter. Criteria: Ambry Variant Classification Scheme 2023. Collection method: clinical testing. Allele origin: germline.
Comment: The p.P576S variant (also known as c.1726C>T), located in coding exon 12 of the BMPR2 gene, results from a C to T substitution at nucleotide position 1726. The proline at codon 576 is replaced by serine, an amino acid with similar properties. This amino acid position is conserved. In addition, this alteration is predicted to be tolerated by in silico analysis. Based on the available evidence, the clinical significance of this variant remains unclear.